The following is an entry in ClinVar:

NM_000360.4(TH):c.601C>T (p.Gln201Ter)

Gene: TH (tyrosine hydroxylase; minus strand). Cytogenetic location: 11p15.5.
Variant type: single nucleotide variant.
Coding change: c.601C>T on transcript NM_000360.4 (MANE Select); coding-DNA position 601, C replaced by T.
Protein change: p.Gln201Ter; replaces glutamine 201 with a stop codon.
Molecular consequence: nonsense.
Genome position (GRCh38, 1-based): chr11:2,167,909, G>A on the plus strand (C>T on the coding strand, the complement: TH is on the minus strand). VCF-style: chr11-2167909-G-A. GRCh37 (hg19) VCF-style: chr11-2189139-G-A.
Other names: c.694C>T, p.Gln232Ter (NM_199292.3); c.682C>T, p.Gln228Ter (NM_199293.3); short protein forms Q201*, Q232*, Q228*.
Identifiers: ClinVar variation 371630 (VCV000371630.21), dbSNP rs1057517423, ClinGen allele CA16041465.

ClinVar aggregate classification (germline): Pathogenic. Review status: criteria provided, multiple submitters, no conflicts (2 of 4 stars). 6 submissions from 6 submitters: Pathogenic (4). 2 of the submissions do not count toward it. Last evaluated 2025-12-15.

Conditions:
TH-deficient dopa-responsive dystonia. Also called: DYT-TH; Tyrosine Hydroxylase-Deficient Dopa-Responsive Dystonia; Segawa syndrome, autosomal recessive. Identifiers: Orphanet 101150, MedGen C2673535, MONDO:0011551, OMIM 605407.

Allele frequency attached by ClinVar (database versions not stated): gnomAD exomes below 0.00001; TOPMed 0.00001.

Submissions (6):

Labcorp Genetics (formerly Invitae), Labcorp
Classification: Pathogenic for TH-deficient dopa-responsive dystonia. Last evaluated: 2025-12-15. Review status: criteria provided, single submitter. Criteria: Invitae Variant Classification Sherloc (09022015). Collection method: clinical testing. Allele origin: germline.
Comment: This sequence change creates a premature translational stop signal (p.Gln232*) in the TH gene. It is expected to result in an absent or disrupted protein product. Loss-of-function variants in TH are known to be pathogenic (PMID: 22264700, 24753243). This variant is present in population databases (no rsID available, gnomAD 0.006%). This premature translational stop signal has been observed in individual(s) with tyrosine hydroxylase deficiency (PMID: 20823027, 22264700). ClinVar contains an entry for this variant (Variation ID: 371630). Algorithms developed to predict the effect of sequence changes on RNA splicing suggest that this variant may disrupt the consensus splice site. For these reasons, this variant has been classified as Pathogenic.

Natera, Inc.
Classification: Pathogenic for Autosomal recessive Segawa syndrome. Last evaluated: 2025-04-11. Review status: criteria provided, single submitter. Criteria: Natera Variant Classification Schema (03/2026). Collection method: clinical testing. Allele origin: germline.
Comment: The c.694C>T variant in TH is a nonsense variant predicted to introduce a stop codon at amino acid 232. This variant is expected to result in nonsense mediated decay, truncation, or a dysfunctional protein product. This variant is rare in the general population with a frequency below the threshold expected for the associated phenotype(s). This variant has been observed in one or more individuals affected with the associated recessive disease, as either homozygous or compound heterozygous with a second variant (PMID: 22264700). Given the available evidence, this variant is classified as Pathogenic.

Baylor Genetics
Classification: Pathogenic for TH-deficient dopa-responsive dystonia. Last evaluated: 2024-01-08. Review status: criteria provided, single submitter. Criteria: ACMG Guidelines, 2015. Collection method: clinical testing. Allele origin: unknown.

Juno Genomics, Hangzhou Juno Genomics, Inc
Classification: Pathogenic for TH-deficient dopa-responsive dystonia. Review status: criteria provided, single submitter. Criteria: ACMG Guidelines, 2015. Collection method: clinical testing. Allele origin: germline.
Comment: Absent from controls (or at extremely low frequency if recessive) in Genome Aggregation Database.;Null variant in a gene where loss of function (LOF) is a known mechanism of disease.;For recessive disorders, detected in trans with a pathogenic variant.;Patient's phenotype or family history is highly specific for a disease with a single genetic etiology.

Center for Molecular Medicine, Children’s Hospital of Fudan University
Classification: Pathogenic for TH-deficient dopa-responsive dystonia. Last evaluated: 2022-02-08. Review status: no assertion criteria provided. Collection method: clinical testing. Allele origin: paternal. Affected: yes. Not counted in ClinVar's aggregate classification.

Counsyl
Classification: Pathogenic for TH-deficient dopa-responsive dystonia. Last evaluated: 2016-11-02. Review status: no assertion criteria provided. Collection method: clinical testing. Allele origin: unknown. Not counted in ClinVar's aggregate classification.

Literature cited by the submitters: PubMed 22264700 (cited by 4 submitters); PubMed 24753243 (cited by Labcorp Genetics (formerly Invitae), Labcorp); PubMed 20823027 (cited by Labcorp Genetics (formerly Invitae), Labcorp and Counsyl).